The following is an entry in ClinVar:

NM_001164508.2(NEB):c.2359C>A (p.Pro787Thr)

Gene: NEB (nebulin; minus strand). Cytogenetic location: 2q23.3.
Variant type: single nucleotide variant.
Coding change: c.2359C>A on transcript NM_001164508.2 (MANE Select); coding-DNA position 2359, C replaced by A.
Protein change: p.Pro787Thr; replaces proline 787 with threonine.
Molecular consequence: missense variant.
Genome position (GRCh38, 1-based): chr2:151,688,348, G>T on the plus strand (C>A on the coding strand, the complement: NEB is on the minus strand). VCF-style: chr2-151688348-G-T. GRCh37 (hg19) VCF-style: chr2-152544862-G-T.
Other names: c.2359C>A, p.Pro787Thr (NM_001164507.2, NM_001271208.2, NM_004543.5); short protein forms P787T.
Identifiers: ClinVar variation 2651436 (VCV002651436.24), dbSNP rs2552266614, ClinGen allele CA348823172.

ClinVar aggregate classification (germline): Uncertain significance (1 of 4 stars; one submission).

Submission:

CeGaT Center for Human Genetics Tuebingen
Classification: Uncertain significance. Last evaluated: 2022-10-01. Review status: criteria provided, single submitter. Criteria: CeGaT Center For Human Genetics Tuebingen Variant Classification Criteria Version 2. Collection method: clinical testing. Allele origin: germline. Affected: yes. Observed: 1 variant allele.
Comment: NEB: PM2, BP4